The following is an entry in ClinVar:

ClinVar aggregate classification (germline): Uncertain significance (1 of 4 stars; one submission).

Allele frequency attached by ClinVar (database versions not stated): gnomAD 0.00005.
gnomAD v4.1: 29 of 1,604,082 alleles (0.0018%); highest among the groups gnomAD compares: African/African-American, 0.0094%; no homozygotes.

Submission:

Labcorp Genetics (formerly Invitae), Labcorp
Classification: Uncertain significance. Last evaluated: 2022-03-20. Review status: criteria provided, single submitter. Criteria: Invitae Variant Classification Sherloc (09022015). Collection method: clinical testing. Allele origin: germline.
Comment: In summary, the available evidence is currently insufficient to determine the role of this variant in disease. Therefore, it has been classified as a Variant of Uncertain Significance. This variant has not been reported in the literature in individuals affected with HYOU1-related conditions. This variant is present in population databases (rs782654818, gnomAD 0.01%). This sequence change falls in intron 22 of the HYOU1 gene. It does not directly change the encoded amino acid sequence of the HYOU1 protein.

NM_006389.5(HYOU1):c.2595+12G>A

Gene: HYOU1 (hypoxia up-regulated 1; minus strand). Cytogenetic location: 11q23.3.
Variant type: single nucleotide variant.
Coding change: c.2595+12G>A on transcript NM_006389.5 (MANE Select); 12 bases into the intron after coding-DNA position 2595, G replaced by A.
Molecular consequence: intron variant.
Genome position (GRCh38, 1-based): chr11:119,047,722, C>T on the plus strand (G>A on the coding strand, the complement: HYOU1 is on the minus strand). VCF-style: chr11-119047722-C-T. GRCh37 (hg19) VCF-style: chr11-118918434-C-T.
Other names: c.2595+12G>A (NM_001130991.3).
Identifiers: ClinVar variation 1902418 (VCV001902418.5), dbSNP rs782654818, ClinGen allele CA229617837.